The following is an entry in ClinVar:

ClinVar aggregate classification (germline): Likely pathogenic (1 of 4 stars; one submission).

Conditions:
Cardiovascular phenotype. Identifiers: MedGen CN230736.

Submission:

Ambry Genetics
Classification: Likely pathogenic for Cardiovascular phenotype. Last evaluated: 2025-08-14. Review status: criteria provided, single submitter. Criteria: Ambry Variant Classification Scheme 2023. Collection method: clinical testing. Allele origin: germline.
Comment: The c.523+5G>C intronic variant results from a G to C substitution 5 nucleotides after coding exon 4 in the ENG gene. This variant was reported in individual(s) with features consistent with hereditary hemorrhagic telangiectasia (Ambry internal data). This nucleotide position is highly conserved in available vertebrate species. In silico splice site analysis predicts that this alteration will weaken the native splice donor site. RNA studies have demonstrated that this alteration results in abnormal splicing in the set of samples tested (Ambry internal data). This variant is considered to be rare based on population cohorts in the Genome Aggregation Database (gnomAD). Based on the majority of available evidence to date, this variant is likely to be pathogenic.

NM_001114753.3(ENG):c.523+5G>C

Gene: ENG (endoglin; minus strand). Cytogenetic location: 9q34.11.
Variant type: single nucleotide variant.
Coding change: c.523+5G>C on transcript NM_001114753.3 (MANE Select); 5 bases into the intron after coding-DNA position 523, G replaced by C.
Molecular consequence: intron variant.
Genome position (GRCh38, 1-based): chr9:127,826,505, C>G on the plus strand (G>C on the coding strand, the complement: ENG is on the minus strand). VCF-style: chr9-127826505-C-G. GRCh37 (hg19) VCF-style: chr9-130588784-C-G.
Other names: c.523+5G>C (NM_000118.4, NM_001406715.1); c.-24+5G>C (NM_001278138.2).
Identifiers: ClinVar variation 1746233 (VCV001746233.3), dbSNP rs2539077593, ClinGen allele CA2580079697.